The following is an entry in ClinVar:

ClinVar aggregate classification (germline): Benign. Review status: criteria provided, multiple submitters, no conflicts (2 of 4 stars). 2 submissions from 2 submitters: Benign (2). Last evaluated 2026-01-20.

Allele frequency attached by ClinVar (database versions not stated): TOPMed 0.00002; gnomAD exomes 0.00088 and 0.00189; ExAC 0.00200; 1000 Genomes Project 30x 0.00328; 1000 Genomes Project 0.00399.
gnomAD v4.1: 1,347 of 1,613,682 alleles (0.083%); highest among the groups gnomAD compares: South Asian, 1.4%; 22 homozygotes.

Submissions (2):

Labcorp Genetics (formerly Invitae), Labcorp
Classification: Benign. Last evaluated: 2026-01-20. Review status: criteria provided, single submitter. Criteria: Invitae Variant Classification Sherloc (09022015). Collection method: clinical testing. Allele origin: germline.

Mayo Clinic Laboratories, Mayo Clinic
Classification: Benign. Last evaluated: 2025-07-31. Review status: criteria provided, single submitter. Criteria: ACMG Guidelines, 2015. Collection method: clinical testing. Allele origin: germline. Observed: 1 variant allele.
Comment: BA1, BS2, BP4_moderate

NM_001080414.4(CCDC88C):c.905C>T (p.Ala302Val)

Gene: CCDC88C (coiled-coil and HOOK domain protein 88C; minus strand). Cytogenetic location: 14q32.11.
Variant type: single nucleotide variant.
Coding change: c.905C>T on transcript NM_001080414.4 (MANE Select); coding-DNA position 905, C replaced by T.
Protein change: p.Ala302Val; replaces alanine 302 with valine.
Molecular consequence: missense variant.
Genome position (GRCh38, 1-based): chr14:91,338,150, G>A on the plus strand (C>T on the coding strand, the complement: CCDC88C is on the minus strand). VCF-style: chr14-91338150-G-A. GRCh37 (hg19) VCF-style: chr14-91804494-G-A.
Other names: p.Ala302Val; short protein forms A302V.
Identifiers: ClinVar variation 746885 (VCV000746885.10), dbSNP rs558656599, ClinGen allele CA7310060.